The following is an entry in ClinVar:

NM_003120.3(SPI1):c.536T>C (p.Leu179Pro)

Gene: SPI1 (Spi-1 proto-oncogene; minus strand). Cytogenetic location: 11p11.2.
Variant type: single nucleotide variant.
Coding change: c.536T>C on transcript NM_003120.3 (MANE Select); coding-DNA position 536, T replaced by C.
Protein change: p.Leu179Pro; replaces leucine 179 with proline.
Molecular consequence: missense variant.
Genome position (GRCh38, 1-based): chr11:47,355,504, A>G on the plus strand (T>C on the coding strand, the complement: SPI1 is on the minus strand). VCF-style: chr11-47355504-A-G. GRCh37 (hg19) VCF-style: chr11-47377055-A-G.
Other names: c.539T>C, p.Leu180Pro (NM_001080547.2); short protein forms L179P, L180P.
Identifiers: ClinVar variation 3392519 (VCV003392519.1).

ClinVar aggregate classification (germline): Pathogenic (0 of 4 stars; one submission).

Conditions:
Agammaglobulinemia. Identifiers: Orphanet 183669, MedGen C0001768, MeSH D000361, MONDO:0015977, HP:0004432.

Submission:

Neil Romberg Laboratory, Children's Hospital of Philadelphia
Classification: Pathogenic for Agammaglobulinemia. Last evaluated: 2024-12-12. Review status: no assertion criteria provided. Collection method: research. Allele origin: germline. Affected: yes.
Comment: This variant generates a L179P protein that destabilizes the PU.1 protein. Furthermore, the destabilized protein performs poorly in a PU.1 reporter line.